The following is an entry in ClinVar:

NM_000135.4(FANCA):c.-1C>T

Genes: FANCA (FA complementation group A; minus strand), LOC112486223 (Sharpr-MPRA regulatory region 3988; plus strand). Cytogenetic location: 16q24.3.
Variant type: single nucleotide variant.
Coding change: c.-1C>T on transcript NM_000135.4 (MANE Select); 1 bases upstream of the start codon, C replaced by T.
Molecular consequence: 5 prime UTR variant.
Genome position (GRCh38, 1-based): chr16:89,816,616, G>A on the plus strand (C>T on the coding strand, the complement: FANCA is on the minus strand). VCF-style: chr16-89816616-G-A. GRCh37 (hg19) VCF-style: chr16-89883024-G-A.
Other names: c.-1C>T (NM_001018112.3, NM_001286167.3, NM_001351830.2 and 1 more transcripts).
Identifiers: ClinVar variation 1312223 (VCV001312223.3), dbSNP rs373787342, ClinGen allele CA8253281.
Genomic context (GRCh38, chr16:89,816,616, plus strand): 5'-CCTCCGGCGGCCCCCTGGGTCCTGGCCCGAGGCGGAGTTCGGGACCCACGAGTCGGACAT[G>A]GCCTTGGCGCCTACAGCCCCGGCGGCGGCTCCCTGCGCCCGAGCCCGCGCTGCCTTCCTA-3'

ClinVar aggregate classification (germline): Uncertain significance. Review status: criteria provided, multiple submitters, no conflicts (2 of 4 stars). 2 submissions from 2 submitters: Uncertain significance (2). Last evaluated 2024-07-29.

Allele frequency attached by ClinVar (database versions not stated): ExAC 0.00008; ESP Exome Variant Server 0.00010.
gnomAD v4.1: 46 of 1,523,620 alleles (0.003%); highest among the groups gnomAD compares: Non-Finnish European, 0.0037%; no homozygotes.

Submissions (2):

Quest Diagnostics Nichols Institute San Juan Capistrano
Classification: Uncertain significance. Last evaluated: 2024-07-29. Review status: criteria provided, single submitter. Criteria: Quest Diagnostics criteria. Collection method: clinical testing. Allele origin: unknown.
Comment: The FANCA c.-1C>T variant has not been reported in individuals with FANCA-related conditions in the published literature. The frequency of this variant in the general population, 0.000064 (3/46830 chromosomes (Genome Aggregation Database)), is uninformative in the assessment of its pathogenicity. Analysis of this variant using software algorithms for the prediction of the effect of nucleotide changes on splicing yielded predictions that this variant does not affect FANCA mRNA splicing. Based on the available information, we are unable to determine the clinical significance of this variant.

GeneDx
Classification: Uncertain significance. Last evaluated: 2019-09-18. Review status: criteria provided, single submitter. Criteria: GeneDx Variant Classification Process June 2021. Collection method: clinical testing. Allele origin: germline. Affected: yes.
Comment: Nucleotide substitution is not conserved across species; Has not been previously published as pathogenic or benign to our knowledge; Variant located in the Kozak sequence just upstream of the ATG translational start site

Literature cited by the submitters: PubMed 23021409 (cited by Quest Diagnostics Nichols Institute San Juan Capistrano); PubMed 38594305 (cited by Quest Diagnostics Nichols Institute San Juan Capistrano).